The following is an entry in ClinVar:

NM_006739.4(MCM5):c.1058T>C (p.Ile353Thr)

Gene: MCM5 (minichromosome maintenance complex component 5; plus strand). Cytogenetic location: 22q12.3.
Variant type: single nucleotide variant.
Coding change: c.1058T>C on transcript NM_006739.4 (MANE Select); coding-DNA position 1058, T replaced by C.
Protein change: p.Ile353Thr; replaces isoleucine 353 with threonine.
Molecular consequence: missense variant.
Genome position (GRCh38, 1-based): chr22:35,412,648, T>C. VCF-style: chr22-35412648-T-C. GRCh37 (hg19) VCF-style: chr22-35808641-T-C.
Other names: short protein forms I353T.
Identifiers: ClinVar variation 1521779 (VCV001521779.6), dbSNP rs763611069, ClinGen allele CA10205250.

ClinVar aggregate classification (germline): Uncertain significance (1 of 4 stars; one submission).

Allele frequency attached by ClinVar (database versions not stated): gnomAD exomes below 0.00001; ExAC 0.00001; TOPMed 0.00007; gnomAD 0.00009.
gnomAD v4.1: 15 of 1,535,134 alleles (0.00098%); highest among the groups gnomAD compares: African/African-American, 0.021%; no homozygotes.

Submission:

Labcorp Genetics (formerly Invitae), Labcorp
Classification: Uncertain significance. Last evaluated: 2023-03-02. Review status: criteria provided, single submitter. Criteria: Invitae Variant Classification Sherloc (09022015). Collection method: clinical testing. Allele origin: germline.
Comment: In summary, the available evidence is currently insufficient to determine the role of this variant in disease. Therefore, it has been classified as a Variant of Uncertain Significance. Advanced modeling of protein sequence and biophysical properties (such as structural, functional, and spatial information, amino acid conservation, physicochemical variation, residue mobility, and thermodynamic stability) performed at Invitae indicates that this missense variant is not expected to disrupt MCM5 protein function. ClinVar contains an entry for this variant (Variation ID: 1521779). This variant has not been reported in the literature in individuals affected with MCM5-related conditions. This variant is present in population databases (rs763611069, gnomAD 0.03%). This sequence change replaces isoleucine, which is neutral and non-polar, with threonine, which is neutral and polar, at codon 353 of the MCM5 protein (p.Ile353Thr).